The following is an entry in ClinVar:

ClinVar aggregate classification (germline): Conflicting classifications of pathogenicity. Review status: criteria provided, conflicting classifications (1 of 4 stars). 6 submissions from 6 submitters: Uncertain significance (5); Likely benign (1). Last evaluated 2025-02-16.

Conditions:
Hereditary cancer-predisposing syndrome. Also called: Neoplastic Syndromes, Hereditary; Hereditary Cancer Syndrome; Hereditary neoplastic syndrome; Tumor predisposition. Identifiers: Orphanet 140162, MedGen C0027672, MeSH D009386, MONDO:0015356.
BAP1-related tumor predisposition syndrome (TPDS1). Also called: COMMON Syndrome; TUMOR PREDISPOSITION SYNDROME 1; BAP1 tumor predisposition syndrome; Tumor susceptibility linked to germline BAP1 mutations. Identifiers: Orphanet 289539, MedGen C3280492, MONDO:0013692, OMIM 614327.

Allele frequency attached by ClinVar (database versions not stated): TOPMed 0.00002; gnomAD 0.00003.
gnomAD v4.1: 16 of 1,614,098 alleles (0.00099%); highest among the groups gnomAD compares: East Asian, 0.0022%; no homozygotes.

Submissions (6):

Laboratory of Genetics, Children's Clinical University Hospital Latvia
Classification: Likely benign. Last evaluated: 2025-02-16. Review status: criteria provided, single submitter. Criteria: ACMG Guidelines, 2015. Collection method: clinical testing. Allele origin: germline. Affected: yes.

Ambry Genetics
Classification: Uncertain significance for Hereditary cancer-predisposing syndrome. Last evaluated: 2025-02-11. Review status: criteria provided, single submitter. Criteria: Ambry Variant Classification Scheme 2023. Collection method: clinical testing. Allele origin: germline.

Labcorp Genetics (formerly Invitae), Labcorp
Classification: Uncertain significance for BAP1-related tumor predisposition syndrome. Last evaluated: 2024-09-29. Review status: criteria provided, single submitter. Criteria: Invitae Variant Classification Sherloc (09022015). Collection method: clinical testing. Allele origin: germline.
Comment: This sequence change replaces glutamic acid, which is acidic and polar, with aspartic acid, which is acidic and polar, at codon 406 of the BAP1 protein (p.Glu406Asp). This variant is present in population databases (rs752703914, gnomAD 0.006%). This variant has not been reported in the literature in individuals affected with BAP1-related conditions. ClinVar contains an entry for this variant (Variation ID: 539920). Invitae Evidence Modeling of protein sequence and biophysical properties (such as structural, functional, and spatial information, amino acid conservation, physicochemical variation, residue mobility, and thermodynamic stability) indicates that this missense variant is not expected to disrupt BAP1 protein function with a negative predictive value of 80%. In summary, the available evidence is currently insufficient to determine the role of this variant in disease. Therefore, it has been classified as a Variant of Uncertain Significance.

Color Diagnostics, LLC DBA Color Health
Classification: Uncertain significance for Hereditary cancer-predisposing syndrome. Last evaluated: 2023-12-05. Review status: criteria provided, single submitter. Criteria: ACMG Guidelines, 2015. Collection method: clinical testing. Allele origin: germline.
Comment: This missense variant replaces glutamic acid with aspartic acid at codon 406 of the BAP1 protein. Computational prediction suggests that this variant may not impact protein structure and function (internally defined REVEL score threshold <= 0.5, PMID: 27666373). To our knowledge, functional studies have not been reported for this variant. This variant has not been reported in individuals affected with BAP1-related disorders in the literature. This variant has been identified in 5/280312 chromosomes in the general population by the Genome Aggregation Database (gnomAD). The available evidence is insufficient to determine the role of this variant in disease conclusively. Therefore, this variant is classified as a Variant of Uncertain Significance.

Baylor Genetics
Classification: Uncertain significance for BAP1-related tumor predisposition syndrome. Last evaluated: 2023-07-11. Review status: criteria provided, single submitter. Criteria: ACMG Guidelines, 2015. Collection method: clinical testing. Allele origin: unknown.

Institute for Clinical Genetics, University Hospital TU Dresden, University Hospital TU Dresden
Classification: Uncertain significance. Last evaluated: 2021-11-03. Review status: criteria provided, single submitter. Criteria: ACMG Guidelines, 2015. Collection method: clinical testing. Allele origin: germline.

NM_004656.4(BAP1):c.1218G>T (p.Glu406Asp)

Gene: BAP1 (BRCA1 associated deubiquitinase 1; minus strand). Cytogenetic location: 3p21.1.
Variant type: single nucleotide variant.
Coding change: c.1218G>T on transcript NM_004656.4 (MANE Select); coding-DNA position 1218, G replaced by T.
Protein change: p.Glu406Asp; replaces glutamic acid 406 with aspartic acid.
Molecular consequence: missense variant.
Genome position (GRCh38, 1-based): chr3:52,404,485, C>A on the plus strand (G>T on the coding strand, the complement: BAP1 is on the minus strand). VCF-style: chr3-52404485-C-A. GRCh37 (hg19) VCF-style: chr3-52438501-C-A.
Other names: short protein forms E406D.
Identifiers: ClinVar variation 539920 (VCV000539920.21), dbSNP rs752703914, ClinGen allele CA2436870.